The following is an entry in ClinVar:

ClinVar aggregate classification (germline): Uncertain significance. Review status: criteria provided, multiple submitters, no conflicts (2 of 4 stars). 2 submissions from 2 submitters: Uncertain significance (2). Last evaluated 2025-08-04.

Conditions:
Cardiovascular phenotype. Identifiers: MedGen CN230736.
Alstrom syndrome (ALMS). Identifiers: Orphanet 64, MedGen C0268425, MONDO:0008763, OMIM 203800.

Allele frequency attached by ClinVar (database versions not stated): gnomAD exomes below 0.00001 and 0.00001; ExAC 0.00001.
gnomAD v4.1: 8 of 1,614,164 alleles (0.0005%); highest among the groups gnomAD compares: South Asian, 0.0066%; no homozygotes.

Submissions (2):

Ambry Genetics
Classification: Uncertain significance for Cardiovascular phenotype. Last evaluated: 2025-08-04. Review status: criteria provided, single submitter. Criteria: Ambry Variant Classification Scheme 2023. Collection method: clinical testing. Allele origin: germline.
Comment: The p.K2585E variant (also known as c.7753A>G), located in coding exon 10 of the ALMS1 gene, results from an A to G substitution at nucleotide position 7753. The lysine at codon 2585 is replaced by glutamic acid, an amino acid with similar properties. This amino acid position is highly conserved in available vertebrate species. In addition, the in silico prediction for this alteration is inconclusive. Since supporting evidence is limited at this time, the clinical significance of this alteration remains unclear.

Labcorp Genetics (formerly Invitae), Labcorp
Classification: Uncertain significance for Alstrom syndrome. Last evaluated: 2021-04-14. Review status: criteria provided, single submitter. Criteria: Invitae Variant Classification Sherloc (09022015). Collection method: clinical testing. Allele origin: germline.
Comment: This sequence change replaces lysine with glutamic acid at codon 2585 of the ALMS1 protein (p.Lys2585Glu). The lysine residue is highly conserved and there is a small physicochemical difference between lysine and glutamic acid. This variant is present in population databases (rs776783409, ExAC 0.006%). This variant has not been reported in the literature in individuals with ALMS1-related conditions. Experimental studies and prediction algorithms are not available or were not evaluated, and the functional significance of this variant is currently unknown. In summary, the available evidence is currently insufficient to determine the role of this variant in disease. Therefore, it has been classified as a Variant of Uncertain Significance.

NM_001378454.1(ALMS1):c.7750A>G (p.Lys2584Glu)

Gene: ALMS1 (ALMS1 centrosome and basal body associated protein; plus strand). Cytogenetic location: 2p13.1.
Variant type: single nucleotide variant.
Coding change: c.7750A>G on transcript NM_001378454.1 (MANE Select); coding-DNA position 7750, A replaced by G.
Protein change: p.Lys2584Glu; replaces lysine 2584 with glutamic acid.
Molecular consequence: missense variant.
Genome position (GRCh38, 1-based): chr2:73,489,709, A>G. VCF-style: chr2-73489709-A-G. GRCh37 (hg19) VCF-style: chr2-73716836-A-G.
Other names: c.7753A>G, p.Lys2585Glu (NM_015120.4); short protein forms K2585E, K2584E.
Identifiers: ClinVar variation 1435483 (VCV001435483.6), dbSNP rs776783409, ClinGen allele CA1714338.